The following is an entry in ClinVar:

NM_001162501.2(TNRC6B):c.2623del (p.Trp875fs)

Gene: TNRC6B (trinucleotide repeat containing adaptor 6B; plus strand). Cytogenetic location: 22q13.1.
Variant type: Deletion.
Coding change: c.2623del on transcript NM_001162501.2 (MANE Select); coding-DNA position 2623, one base deleted (T; older notation c.2623delT).
Protein change: p.Trp875fs; shifts the reading frame from tryptophan 875.
Molecular consequence: frameshift variant. On other transcripts: intron variant (1).
Genome position (GRCh38, 1-based): chr22:40,266,853, T deleted; the last of 2 consecutive T bases (chr22:40,266,852-40,266,853); deleting either gives the same sequence. VCF-style (leftmost placement, unchanged base first): chr22-40266851-GT-G. GRCh37 (hg19) VCF-style: chr22-40662855-GT-G.
Other names: c.2623del, p.Trp875fs (NM_015088.3); c.566-3269del (NM_001024843.2); short protein forms W875fs.
Identifiers: ClinVar variation 4076266 (VCV004076266.1).

ClinVar aggregate classification (germline): Likely pathogenic (1 of 4 stars; one submission).

Conditions:
Global developmental delay with speech and behavioral abnormalities. Identifiers: MedGen C5543226, MONDO:0030995, OMIM 619243.

Submission:

Laboratorio de Genetica e Diagnostico Molecular, Hospital Israelita Albert Einstein
Classification: Likely pathogenic for Global developmental delay with speech and behavioral abnormalities. Last evaluated: 2023-07-05. Review status: criteria provided, single submitter. Criteria: ACMG Guidelines, 2015. Collection method: clinical testing. Allele origin: germline. Affected: yes.
Comment: ACMG classification criteria: PVS1 very strong, PM2 moderate